The following is an entry in ClinVar:

NM_005787.6(ALG3):c.863C>T (p.Ala288Val)

Gene: ALG3 (ALG3 alpha-1,3- mannosyltransferase; minus strand). Cytogenetic location: 3q27.1.
Variant type: single nucleotide variant.
Coding change: c.863C>T on transcript NM_005787.6 (MANE Select); coding-DNA position 863, C replaced by T.
Protein change: p.Ala288Val; replaces alanine 288 with valine.
Molecular consequence: missense variant. On other transcripts: non-coding transcript variant (2).
Genome position (GRCh38, 1-based): chr3:184,243,860, G>A on the plus strand (C>T on the coding strand, the complement: ALG3 is on the minus strand). VCF-style: chr3-184243860-G-A. GRCh37 (hg19) VCF-style: chr3-183961648-G-A.
Other names: c.719C>T, p.Ala240Val (NM_001006941.2); short protein forms A240V, A288V.
Identifiers: ClinVar variation 1519679 (VCV001519679.6), dbSNP rs772081381, ClinGen allele CA2729403.

ClinVar aggregate classification (germline): Uncertain significance (1 of 4 stars; one submission).

Conditions:
ALG3-congenital disorder of glycosylation. Also called: ALG3-CDG; CONGENITAL DISORDER OF GLYCOSYLATION, TYPE Id; CDG Id; CARBOHYDRATE-DEFICIENT GLYCOPROTEIN SYNDROME, TYPE IV; CDGS, TYPE IV. Identifiers: Orphanet 79321, MedGen C1832736, MONDO:0010998, OMIM 601110.

Allele frequency attached by ClinVar (database versions not stated): gnomAD exomes below 0.00001 and 0.00001; ExAC 0.00003.

Submission:

Labcorp Genetics (formerly Invitae), Labcorp
Classification: Uncertain significance for ALG3-congenital disorder of glycosylation. Last evaluated: 2021-09-17. Review status: criteria provided, single submitter. Criteria: Invitae Variant Classification Sherloc (09022015). Collection method: clinical testing. Allele origin: germline.
Comment: In summary, the available evidence is currently insufficient to determine the role of this variant in disease. Therefore, it has been classified as a Variant of Uncertain Significance. Algorithms developed to predict the effect of missense changes on protein structure and function (SIFT, PolyPhen-2, Align-GVGD) all suggest that this variant is likely to be tolerated. This variant has not been reported in the literature in individuals affected with ALG3-related conditions. This variant is present in population databases (rs772081381, ExAC 0.03%). This sequence change replaces alanine with valine at codon 288 of the ALG3 protein (p.Ala288Val). The alanine residue is moderately conserved and there is a small physicochemical difference between alanine and valine.